The following is an entry in ClinVar:

NM_144687.4(NLRP12):c.1856A>G (p.Glu619Gly)

Gene: NLRP12 (NLR family pyrin domain containing 12; minus strand). Cytogenetic location: 19q13.42.
Variant type: single nucleotide variant.
Coding change: c.1856A>G on transcript NM_144687.4 (MANE Select); coding-DNA position 1856, A replaced by G.
Protein change: p.Glu619Gly; replaces glutamic acid 619 with glycine.
Molecular consequence: missense variant.
Genome position (GRCh38, 1-based): chr19:53,809,803, T>C on the plus strand (A>G on the coding strand, the complement: NLRP12 is on the minus strand). VCF-style: chr19-53809803-T-C. GRCh37 (hg19) VCF-style: chr19-54313057-T-C.
Other names: c.1856A>G, p.Glu619Gly (NM_001277126.2, NM_001277129.1); short protein forms E619G.
Identifiers: ClinVar variation 2977560 (VCV002977560.3), dbSNP rs1220115566, ClinGen allele CA407412322.

ClinVar aggregate classification (germline): Uncertain significance (1 of 4 stars; one submission).

Conditions:
Familial cold autoinflammatory syndrome 2 (FCAS2). Identifiers: Orphanet 247868, MedGen C2673198, MONDO:0012724, OMIM 611762.

Allele frequency attached by ClinVar (database versions not stated): TOPMed below 0.00001; gnomAD exomes 0.00002.
gnomAD v4.1: 32 of 1,614,024 alleles (0.002%); highest among the groups gnomAD compares: African/African-American, 0.0027%; no homozygotes.

Submission:

Labcorp Genetics (formerly Invitae), Labcorp
Classification: Uncertain significance for Familial cold autoinflammatory syndrome 2. Last evaluated: 2023-06-20. Review status: criteria provided, single submitter. Criteria: Invitae Variant Classification Sherloc (09022015). Collection method: clinical testing. Allele origin: germline.
Comment: In summary, the available evidence is currently insufficient to determine the role of this variant in disease. Therefore, it has been classified as a Variant of Uncertain Significance. This sequence change replaces glutamic acid, which is acidic and polar, with glycine, which is neutral and non-polar, at codon 619 of the NLRP12 protein (p.Glu619Gly). This variant is present in population databases (no rsID available, gnomAD 0.002%). This variant has not been reported in the literature in individuals affected with NLRP12-related conditions. Advanced modeling of protein sequence and biophysical properties (such as structural, functional, and spatial information, amino acid conservation, physicochemical variation, residue mobility, and thermodynamic stability) performed at Invitae indicates that this missense variant is expected to disrupt NLRP12 protein function.